The following is an entry in ClinVar:

NM_000152.5(GAA):c.1962_1964del (p.Glu656del)

Gene: GAA (alpha glucosidase; plus strand). Cytogenetic location: 17q25.3.
Variant type: Deletion.
Coding change: c.1962_1964del on transcript NM_000152.5 (MANE Select); coding-DNA positions 1962 to 1964, 3 bases deleted (AGA; older notation c.1962_1964delAGA).
Protein change: p.Glu656del; deletes glutamic acid 656.
Molecular consequence: inframe deletion.
Genome position (GRCh38, 1-based): chr17:80,112,949-80,112,951, AGA deleted. VCF-style (leftmost placement, unchanged base first): chr17-80112948-CAGA-C. GRCh37 (hg19) VCF-style: chr17-78086747-CAGA-C.
Other names: c.1962_1964del, p.Glu656del (NM_001079803.3, NM_001079804.3); short protein forms E656del.
Identifiers: ClinVar variation 932896 (VCV000932896.18), dbSNP rs1030961946, ClinGen allele CA294896907.

ClinVar aggregate classification (germline): Pathogenic. Review status: reviewed by expert panel (3 of 4 stars). 7 submissions from 7 submitters: Pathogenic (1). 6 of the submissions do not count toward it. Last evaluated 2020-05-05.

Conditions:
Glycogen storage disease, type II (IOPD). Also called: Pompe Disease; CARDIOMEGALIA GLYCOGENICA DIFFUSA; POMPE DISEASE, INFANTILE-ONSET; GLYCOGEN STORAGE DISEASE II, INFANTILE-ONSET; ACID ALPHA-GLUCOSIDASE DEFICIENCY, INFANTILE-ONSET; GAA DEFICIENCY, INFANTILE-ONSET. Identifiers: Orphanet 365, MedGen C0017921, MONDO:0009290, OMIM 232300.

Allele frequency attached by ClinVar (database versions not stated): gnomAD exomes below 0.00001; gnomAD 0.00001; TOPMed 0.00002.

Submissions (7):

ClinGen Lysosomal Storage Disorder Variant Curation Expert Panel
Classification: Pathogenic for Glycogen storage disease, type II. Last evaluated: 2020-05-05. Review status: reviewed by expert panel. Criteria: ClinGen LSD ACMG Specifications v1. Collection method: curation. Allele origin: germline. Inheritance: Autosomal recessive inheritance.
Comment: This variant, c.1962_1964delAGA, is predicted to result in an inframe deletion of one amino acid in GAA, p.Glu656del, meeting PM4_Supporting. This variant is not present in gnomAD v2.1.1, meeting PM2. From unpublished clinical laboratory data, three patients with this variant meet the ClinGen LSD VCEP's specifications for PP4. Based on this data, PM3 is met. At least one Indian patient with this variant has been described but full details, such as reference range for GAA activity, were not provided and therefore the data was not included (PMIDs 22711147, 22791670). When expressed in COS-7 cells, the variant has 2% wild type GAA activity and exhibits abnormal GAA processing on Western blot (PMID 18425781), meeting PS3. PROVEAN and Mutation Taster predict that the variant has a deleterious impact on protein function, meeting PP3. There is no ClinVar entry for this variant. In summary, this variant meets the criteria to be classified as a pathogenic for Pompe disease. GAA-specific ACMG/AMP criteria applied, based on the specifications of the ClinGen LSD VCEP: PS3, PM2, PM3, PM4_Supporting, PP3, PP4.

Genomenon, Inc
Classification: Likely pathogenic for Glycogen storage disease, type II. Last evaluated: 2026-07-01. Review status: criteria provided, single submitter. Criteria: Genomenon Sequence Variant Interpretation Standards - Updated. Collection method: curation. Allele origin: germline. Affected: yes. Not counted in ClinVar's aggregate classification.
Comment: GAA p.Glu656del (c.1962_1964del) is an in-frame deletion that results in the loss of Glutamic acid at codon 656. This variant has been observed in at least one proband with a GAA-related disorder (PMID:31606152). At least one functional study has demonstrated a substantial alteration in protein function relative to the wild-type (PMID:18425781). It is absent or not present at a significant frequency in gnomAD. In conclusion, we classify GAA p.Glu656del (c.1962_1964del) as a likely pathogenic variant.

Labcorp Genetics (formerly Invitae), Labcorp
Classification: Likely pathogenic for Glycogen storage disease, type II. Last evaluated: 2025-08-03. Review status: criteria provided, single submitter. Criteria: Invitae Variant Classification Sherloc (09022015). Collection method: clinical testing. Allele origin: germline. Not counted in ClinVar's aggregate classification.
Comment: This variant, c.1962_1964del, results in the deletion of 1 amino acid(s) of the GAA protein (p.Glu656del), but otherwise preserves the integrity of the reading frame. This variant is not present in population databases (gnomAD no frequency). This variant has been observed in individuals with clinical features of Pompe disease (PMID: 18425781, 22711147, 22791670, 31606152, 32504392). This variant is also known as p.Glu655del. ClinVar contains an entry for this variant (Variation ID: 932896). Algorithms developed to predict the effect of variants on gene product structure and function are not available or were not evaluated for this variant. Experimental studies have shown that this variant affects GAA function (PMID: 18425781). In summary, the currently available evidence indicates that the variant is pathogenic, but additional data are needed to prove that conclusively. Therefore, this variant has been classified as Likely Pathogenic.

Natera, Inc.
Classification: Likely pathogenic for Glycogen storage disease type II. Last evaluated: 2025-01-28. Review status: criteria provided, single submitter. Criteria: Natera Variant Classification Schema (03/2026). Collection method: clinical testing. Allele origin: germline. Not counted in ClinVar's aggregate classification.
Comment: The c.1962_1964delAGA variant in GAA is an in-frame deletion predicted to remove glutamic acid at amino acid 656 while preserving the reading frame. This variant is rare in the general population with a frequency below the threshold expected for the associated phenotype(s). This variant has been observed in one or more individuals affected with the associated recessive disease, as either homozygous or compound heterozygous with a second variant (PMID: 22791670). Functional studies show that this variant may disrupt protein function (PMID: 18425781). This variant results in a change to the protein length while preserving reading frame, which may disrupt normal protein structure or function. Computational prediction algorithms indicate this variant is likely to affect gene or protein function. Given the available evidence, this variant is classified as Likely Pathogenic.

Kariminejad - Najmabadi Pathology & Genetics Center
Classification: Pathogenic for Glycogen storage disease, type II. Last evaluated: 2024-03-25. Review status: criteria provided, single submitter. Criteria: ACMG Guidelines, 2015. Collection method: clinical testing. Allele origin: germline. Inheritance: Autosomal recessive inheritance. Affected: yes. Not counted in ClinVar's aggregate classification.
Comment: PM1,PM4,PM2,PS3(Supporting),PM3,PP5

Fulgent Genetics
Classification: Pathogenic for Glycogen storage disease, type II. Last evaluated: 2022-03-09. Review status: criteria provided, single submitter. Criteria: ACMG Guidelines, 2015. Collection method: clinical testing. Allele origin: unknown. Not counted in ClinVar's aggregate classification.

Women's Health and Genetics/Laboratory Corporation of America, LabCorp
Classification: Pathogenic for Glycogen storage disease, type II. Last evaluated: 2021-07-30. Review status: criteria provided, single submitter. Criteria: LabCorp Variant Classification Summary - May 2015. Collection method: clinical testing. Allele origin: germline. Not counted in ClinVar's aggregate classification.
Comment: Variant summary: GAA c.1962_1964delAGA (p.Glu656del) results in an in-frame deletion that is predicted to remove 1 amino acid from the encoded protein. The variant was absent in 242422 control chromosomes (gnomAD). c.1962_1964delAGA has been reported in the literature in individuals affected with Glycogen Storage Disease, Type 2 (Pompe Disease) (Kroos_2008, Gupta_2020). These data indicate that the variant is likely to be associated with disease. Experimental evidence evaluating an impact on protein function demonstrated the variant has a severe effect on enzyme activity (Kroos_2008). An expert panel (ClinGen Lysosomal Storage Disorder Variant Curation Expert Panel) (evaluation after 2014) cites the variant as pathogenic in ClinVar, reporting unpublished clinical laboratory data of three patients with this variant (1 homozygous, 2 compound heterozygous). Based on the evidence outlined above, the variant was classified as pathogenic.

Literature cited by the submitters: PubMed 18425781 (cited by 5 submitters); PubMed 22791670 (cited by 3 submitters); PubMed 22711147 (cited by 3 submitters); PubMed 31606152 (cited by 3 submitters); PubMed 32504392 (cited by Labcorp Genetics (formerly Invitae), Labcorp); PubMed 31342611 (cited by Women's Health and Genetics/Laboratory Corporation of America, LabCorp); PubMed 31254424 (cited by Women's Health and Genetics/Laboratory Corporation of America, LabCorp).